The following is an entry in ClinVar:

NM_000828.5(GRIA3):c.2428_2431del (p.Gly810fs)

Gene: GRIA3 (glutamate ionotropic receptor AMPA type subunit 3; plus strand). Cytogenetic location: Xq25.
Variant type: Deletion.
Coding change: c.2428_2431del on transcript NM_000828.5 (MANE Plus Clinical); coding-DNA positions 2428 to 2431, 4 bases deleted (GGTG; older notation c.2428_2431delGGTG).
Protein change: p.Gly810fs; shifts the reading frame from glycine 810.
Molecular consequence: frameshift variant. On other transcripts: intron variant (1).
Genome position (GRCh38, 1-based): chrX:123,465,777-123,465,780, GGTG deleted. VCF-style (leftmost placement, unchanged base first): chrX-123465776-CGGTG-C. GRCh37 (hg19) VCF-style: chrX-122599627-CGGTG-C.
Other names: c.2324+665_2324+668del (NM_007325.5); short protein forms G810fs.
Identifiers: ClinVar variation 661755 (VCV000661755.6), dbSNP rs1603172780, ClinGen allele CA915951994.

ClinVar aggregate classification (germline): Uncertain significance (1 of 4 stars; one submission).

Submission:

Labcorp Genetics (formerly Invitae), Labcorp
Classification: Uncertain significance. Last evaluated: 2018-12-19. Review status: criteria provided, single submitter. Criteria: Invitae Variant Classification Sherloc (09022015). Collection method: clinical testing. Allele origin: germline.
Comment: In summary, the available evidence is currently insufficient to determine the role of this variant in disease. Therefore, it has been classified as a Variant of Uncertain Significance. The current clinical and genetic evidence is not sufficient to establish whether loss-of-function variants in GRIA3 cause disease. This variant has not been reported in the literature in individuals with GRIA3-related conditions. This variant is not present in population databases (ExAC no frequency). This sequence change creates a premature translational stop signal (p.Gly810Thrfs*9) in the GRIA3 gene. It is expected to result in an absent or disrupted protein product.